The following is an entry in ClinVar:

NM_013447.4(ADGRE2):c.1369G>A (p.Asp457Asn)

Gene: ADGRE2 (adhesion G protein-coupled receptor E2; minus strand). Cytogenetic location: 19p13.12.
Variant type: single nucleotide variant.
Coding change: c.1369G>A on transcript NM_013447.4 (MANE Select); coding-DNA position 1369, G replaced by A.
Protein change: p.Asp457Asn; replaces aspartic acid 457 with asparagine.
Molecular consequence: missense variant.
Genome position (GRCh38, 1-based): chr19:14,755,701, C>T on the plus strand (G>A on the coding strand, the complement: ADGRE2 is on the minus strand). VCF-style: chr19-14755701-C-T. GRCh37 (hg19) VCF-style: chr19-14866513-C-T.
Other names: c.1369G>A, p.Asp457Asn (NM_001271052.1); c.1222G>A, p.Asp408Asn (NM_152916.2); c.1090G>A, p.Asp364Asn (NM_152917.2); short protein forms D408N, D364N, D457N.
Identifiers: ClinVar variation 2723196 (VCV002723196.3), dbSNP rs1568599759, ClinGen allele CA404455281.
Genomic context (GRCh38, chr19:14,755,701, plus strand): 5'-CACCAGCACTCACACGGTGGGAGAAGGTGAAGGTAACTGGGGAGCTGAGGTTTTGGGTGT[C>T]GTTGTTGCTCAGAAAGGCAGAGATCACATCTGAGAGCAGGATGGGGGAGCCGTCCTGCAG-3'
Protein context (NP_038475.2, residues 447-467): DVISAFLSNN[Asp457Asn]TQNLSSPVTF

ClinVar aggregate classification (germline): Uncertain significance (1 of 4 stars; one submission).

Allele frequency attached by ClinVar (database versions not stated): gnomAD 0.00001; gnomAD exomes 0.00001.

Submission:

Labcorp Genetics (formerly Invitae), Labcorp
Classification: Uncertain significance. Last evaluated: 2023-10-08. Review status: criteria provided, single submitter. Criteria: Invitae Variant Classification Sherloc (09022015). Collection method: clinical testing. Allele origin: germline.
Comment: This sequence change replaces aspartic acid, which is acidic and polar, with asparagine, which is neutral and polar, at codon 457 of the ADGRE2 protein (p.Asp457Asn). This variant is present in population databases (no rsID available, gnomAD 0.003%). This variant has not been reported in the literature in individuals affected with ADGRE2-related conditions. Algorithms developed to predict the effect of missense changes on protein structure and function output the following: SIFT: "Not Available"; PolyPhen-2: "Benign"; Align-GVGD: "Not Available". The asparagine amino acid residue is found in multiple mammalian species, which suggests that this missense change does not adversely affect protein function. In summary, the available evidence is currently insufficient to determine the role of this variant in disease. Therefore, it has been classified as a Variant of Uncertain Significance.